The following is an entry in ClinVar:

NM_001267550.2(TTN):c.88594+2T>G

Genes: TTN-AS1 (TTN antisense RNA 1; plus strand), TTN (titin; minus strand). Cytogenetic location: 2q31.2.
Variant type: single nucleotide variant.
Coding change: c.88594+2T>G on transcript NM_001267550.2 (MANE Select); the canonical splice donor site of the intron after coding-DNA position 88594, T replaced by G.
Molecular consequence: splice donor variant.
Genome position (GRCh38, 1-based): chr2:178,554,863, A>C on the plus strand (T>G on the coding strand, the complement: TTN is on the minus strand). VCF-style: chr2-178554863-A-C. GRCh37 (hg19) VCF-style: chr2-179419590-A-C.
Other names: c.61399+2T>G (NM_003319.4); c.61975+2T>G (NM_133437.4); c.61774+2T>G (NM_133432.3); c.80890+2T>G (NM_133378.4); c.83671+2T>G (NM_001256850.1).
Identifiers: ClinVar variation 379823 (VCV000379823.6), dbSNP rs1057520744, ClinGen allele CA16603990.

ClinVar aggregate classification (germline): Pathogenic/Likely pathogenic. Review status: criteria provided, multiple submitters, no conflicts (2 of 4 stars). 2 submissions from 2 submitters: Pathogenic (1); Likely pathogenic (1). Last evaluated 2025-01-27.

Conditions:
Dilated cardiomyopathy 1G (CMD1G). Identifiers: Orphanet 154, MedGen C1858763, MONDO:0011400, OMIM 604145.
Autosomal recessive limb-girdle muscular dystrophy type 2J (LGMDR10). Also called: Limb-girdle muscular dystrophy, type 2J; MUSCULAR DYSTROPHY, LIMB-GIRDLE, AUTOSOMAL RECESSIVE 10. Identifiers: Orphanet 140922, MedGen C1837342, MONDO:0012127, OMIM 608807.

Submissions (2):

Labcorp Genetics (formerly Invitae), Labcorp
Classification: Pathogenic for Dilated cardiomyopathy 1G; Autosomal recessive limb-girdle muscular dystrophy type 2J. Last evaluated: 2025-01-27. Review status: criteria provided, single submitter. Criteria: Invitae Variant Classification Sherloc (09022015). Collection method: clinical testing. Allele origin: germline.
Comment: This sequence change affects a donor splice site in intron 331 of the TTN gene. It is expected to disrupt RNA splicing and likely results in a truncated or disrupted TTN protein. This variant is not present in population databases (gnomAD no frequency). Disruption of this splice site has been observed in individuals with dilated cardiomyopathy (internal data). ClinVar contains an entry for this variant (Variation ID: 379823). Algorithms developed to predict the effect of sequence changes on RNA splicing suggest that this variant may disrupt the consensus splice site. This variant is located in the A band of TTN (PMID: 25589632). Truncating variants in this region are significantly overrepresented in patients affected with dilated cardiomyopathy (PMID: 25589632). Truncating variants in this region have also been reported in individuals affected with autosomal recessive centronuclear myopathy (PMID: 23975875). For these reasons, this variant has been classified as Pathogenic.

GeneDx
Classification: Likely pathogenic. Last evaluated: 2023-12-27. Review status: criteria provided, single submitter. Criteria: GeneDx Variant Classification Process June 2021. Collection method: clinical testing. Allele origin: germline. Affected: yes.
Comment: Canonical splice site variant predicted to result in an in-frame loss of the adjacent exon in a gene for which loss of function is a known mechanism of disease; Not observed at significant frequency in large population cohorts (gnomAD); Has not been previously published as pathogenic or benign to our knowledge; Located in the A-band region of TTN in which the majority of loss of function variants have been associated with autosomal dominant titinopathies (PMID: 22335739); This variant is associated with the following publications: (PMID: 22335739)

Literature cited by the submitters: PubMed 25589632 (cited by Labcorp Genetics (formerly Invitae), Labcorp); PubMed 23975875 (cited by Labcorp Genetics (formerly Invitae), Labcorp).